The following is an entry in ClinVar:

NM_033305.3(VPS13A):c.4072_4073del (p.Ala1358fs)

Gene: VPS13A (vacuolar protein sorting 13 homolog A; plus strand). Cytogenetic location: 9q21.2.
Variant type: Deletion.
Coding change: c.4072_4073del on transcript NM_033305.3 (MANE Select); coding-DNA positions 4072 to 4073, 2 bases deleted (GC; older notation c.4072_4073delGC).
Protein change: p.Ala1358fs; shifts the reading frame from alanine 1358.
Molecular consequence: frameshift variant.
Genome position (GRCh38, 1-based): chr9:77,308,056-77,308,057, GC deleted. VCF-style (leftmost placement, unchanged base first): chr9-77308055-TGC-T. GRCh37 (hg19) VCF-style: chr9-79922971-TGC-T.
Other names: c.3955_3956del, p.Ala1319fs (NM_001018037.2); c.4072_4073del, p.Ala1358fs (NM_001018038.3, NM_015186.4); short protein forms A1319fs, A1358fs.
Identifiers: ClinVar variation 2743245 (VCV002743245.3), dbSNP rs2537953461, ClinGen allele CA2697557779.

ClinVar aggregate classification (germline): Pathogenic (1 of 4 stars; one submission).

Submission:

Labcorp Genetics (formerly Invitae), Labcorp
Classification: Pathogenic. Last evaluated: 2023-07-14. Review status: criteria provided, single submitter. Criteria: Invitae Variant Classification Sherloc (09022015). Collection method: clinical testing. Allele origin: germline.
Comment: This sequence change creates a premature translational stop signal (p.Ala1358Hisfs*2) in the VPS13A gene. It is expected to result in an absent or disrupted protein product. Loss-of-function variants in VPS13A are known to be pathogenic (PMID: 12404112, 21598378). For these reasons, this variant has been classified as Pathogenic. This variant has not been reported in the literature in individuals affected with VPS13A-related conditions. This variant is not present in population databases (gnomAD no frequency).

Literature cited by the submitters: PubMed 12404112; PubMed 21598378.